The following is an entry in ClinVar:

ClinVar aggregate classification (germline): Conflicting classifications of pathogenicity. Review status: criteria provided, conflicting classifications (1 of 4 stars). 8 submissions from 8 submitters: Uncertain significance (2); Benign (1); Likely benign (2). 3 of the submissions do not count toward it. Last evaluated 2025-12-08.

Conditions:
TYROBP-related disorder. Also called: TYROBP-related condition.
Polycystic lipomembranous osteodysplasia with sclerosing leukoencephalopathy 1 (PLOSL1). Also called: TYROBP-Related Polycystic Lipomembranous Osteodysplasia with Sclerosing Leukoencephalopathy. Identifiers: Orphanet 2770, MedGen C4721893, MONDO:0020749, OMIM 221770.

Allele frequency attached by ClinVar (database versions not stated): TOPMed 0.00053; 1000 Genomes Project 0.00060; ESP Exome Variant Server 0.00062; 1000 Genomes Project 30x 0.00078; gnomAD exomes 0.00094 and 0.00113; ExAC 0.00109; gnomAD 0.00120 and 0.00121.
gnomAD v4.1: 1,536 of 1,613,974 alleles (0.095%); highest among the groups gnomAD compares: Non-Finnish European, 0.089%; 2 homozygotes.

Submissions (8):

Labcorp Genetics (formerly Invitae), Labcorp
Classification: Benign. Last evaluated: 2025-12-08. Review status: criteria provided, single submitter. Criteria: Invitae Variant Classification Sherloc (09022015). Collection method: clinical testing. Allele origin: germline.

CeGaT Center for Human Genetics Tuebingen
Classification: Likely benign. Last evaluated: 2025-07-01. Review status: criteria provided, single submitter. Criteria: CeGaT Center For Human Genetics Tuebingen Variant Classification Criteria Version 2. Collection method: clinical testing. Allele origin: germline. Affected: yes. Observed: 2 variant alleles.
Comment: TYROBP: BP4, BP7, BS2

Blueprint Genetics
Classification: Likely benign. Last evaluated: 2024-11-28. Review status: criteria provided, single submitter. Criteria: ACMG Guidelines, 2015. Collection method: clinical testing. Allele origin: germline.

GeneDx
Classification: Uncertain significance. Last evaluated: 2022-11-18. Review status: criteria provided, single submitter. Criteria: GeneDx Variant Classification Process June 2021. Collection method: clinical testing. Allele origin: germline. Affected: yes.
Comment: In silico analysis supports that this variant does not alter splicing; Has not been previously published as pathogenic or benign to our knowledge

Illumina Laboratory Services, Illumina
Classification: Uncertain significance for Polycystic lipomembranous osteodysplasia with sclerosing leukoencephalopathy 1. Last evaluated: 2018-01-13. Review status: criteria provided, single submitter. Criteria: ICSL Variant Classification Criteria 13 December 2019. Collection method: clinical testing. Allele origin: germline.

PreventionGenetics, part of Exact Sciences
Classification: Likely benign for TYROBP-related condition. Last evaluated: 2023-12-18. Review status: no assertion criteria provided. Collection method: clinical testing. Allele origin: germline. Not counted in ClinVar's aggregate classification.
Comment: This variant is classified as likely benign based on ACMG/AMP sequence variant interpretation guidelines (Richards et al. 2015 PMID: 25741868, with internal and published modifications).

Genome Diagnostics Laboratory, Amsterdam University Medical Center
Classification: Likely benign. Review status: no assertion criteria provided. Collection method: clinical testing. Allele origin: germline. Affected: yes. Study: VKGL Data-share Consensus. Not counted in ClinVar's aggregate classification.

Laboratory of Diagnostic Genome Analysis, Leiden University Medical Center (LUMC)
Classification: Likely benign. Review status: no assertion criteria provided. Collection method: clinical testing. Allele origin: germline. Affected: yes. Study: VKGL Data-share Consensus. Not counted in ClinVar's aggregate classification.

NM_003332.4(TYROBP):c.46C>T (p.Leu16=)

Gene: TYROBP (transmembrane immune signaling adaptor TYROBP; minus strand). Cytogenetic location: 19q13.12.
Variant type: single nucleotide variant.
Coding change: c.46C>T on transcript NM_003332.4 (MANE Select); coding-DNA position 46, C replaced by T.
Protein change: p.Leu16=; no amino-acid change (leucine 16 retained).
Molecular consequence: synonymous variant. On other transcripts: non-coding transcript variant (1).
Genome position (GRCh38, 1-based): chr19:35,908,183, G>A on the plus strand (C>T on the coding strand, the complement: TYROBP is on the minus strand). VCF-style: chr19-35908183-G-A. GRCh37 (hg19) VCF-style: chr19-36399085-G-A.
Other names: c.46C>T, p.Leu16= (NM_001173514.2, NM_001173515.2, NM_198125.3).
Identifiers: ClinVar variation 732760 (VCV000732760.33), dbSNP rs147393700, ClinGen allele CA9393157.